The following is an entry in ClinVar:

ClinVar aggregate classification (germline): Pathogenic (1 of 4 stars; one submission).

Conditions:
Congenital prothrombin deficiency. Also called: Factor II deficiency; HYPOPROTHROMBINEMIA; Inherited hypoprothrombinemia; Congenital factor II deficiency; Inherited prothrombin deficiency; Hereditary factor II deficiency disease. Identifiers: Orphanet 325, MedGen C0272317, MONDO:0013361, OMIM 613679.

Submission:

Labcorp Genetics (formerly Invitae), Labcorp
Classification: Pathogenic for Congenital prothrombin deficiency. Last evaluated: 2023-05-21. Review status: criteria provided, single submitter. Criteria: Invitae Variant Classification Sherloc (09022015). Collection method: clinical testing. Allele origin: germline.
Comment: This sequence change creates a premature translational stop signal (p.Trp132Metfs*8) in the F2 gene. It is expected to result in an absent or disrupted protein product. Loss-of-function variants in F2 are known to be pathogenic (PMID: 23852823). This variant is not present in population databases (gnomAD no frequency). This variant has not been reported in the literature in individuals affected with F2-related conditions. For these reasons, this variant has been classified as Pathogenic.

Literature cited by the submitters: PubMed 23852823.

NM_000506.5(F2):c.392dup (p.Trp132fs)

Gene: F2 (coagulation factor II, thrombin; plus strand). Cytogenetic location: 11p11.2.
Variant type: Duplication.
Coding change: c.392dup on transcript NM_000506.5 (MANE Select); coding-DNA position 392, one base duplicated (T; older notation c.392dupT).
Protein change: p.Trp132fs; shifts the reading frame from tryptophan 132.
Molecular consequence: frameshift variant.
Genome position (GRCh38, 1-based): chr11:46,723,255, T duplicated. VCF-style (leftmost placement, unchanged base first): chr11-46723254-C-CT. GRCh37 (hg19) VCF-style: chr11-46744804-C-CT.
Other names: short protein forms W132fs.
Identifiers: ClinVar variation 2884504 (VCV002884504.3), dbSNP rs2502823662, ClinGen allele CA2739270428.
Genomic context (GRCh38, chr11:46,723,254, plus strand): 5'-GGTCTGGGTACGAACTACCGAGGGCATGTGAACATCACCCGGTCAGGCATTGAGTGCCAG[C>CT]TATGGAGGAGTCGCTACCCACATAAGCCTGAGTGAGTGAGGGGCCGGCCTTCCCACCATG-3'